The following is an entry in ClinVar:

ClinVar aggregate classification (germline): Conflicting classifications of pathogenicity. Review status: criteria provided, conflicting classifications (1 of 4 stars). 8 submissions from 8 submitters: Uncertain significance (5); Benign (1). 2 of the submissions do not count toward it. Last evaluated 2026-01-26.

Conditions:
FANCA-related disorder. Also called: FANCA-related condition.
Fanconi anemia (FA). Also called: Fanconi's anemia. Identifiers: Orphanet 84, MedGen C0015625, MeSH D005199, MONDO:0019391.
Fanconi anemia complementation group A (FANCA). Also called: FANCA-Related Fanconi Anemia; Fanconi anemia, group A. Identifiers: Orphanet 84, MedGen C3469521, MONDO:0009215, OMIM 227650.

Allele frequency attached by ClinVar (database versions not stated): ExAC 0.00016; gnomAD exomes 0.00019; TOPMed 0.00022; gnomAD 0.00029 and 0.00031; ESP Exome Variant Server 0.00031.

Submissions (8):

Labcorp Genetics (formerly Invitae), Labcorp
Classification: Benign for Fanconi anemia. Last evaluated: 2026-01-26. Review status: criteria provided, single submitter. Criteria: Invitae Variant Classification Sherloc (09022015). Collection method: clinical testing. Allele origin: germline.

PreventionGenetics, part of Exact Sciences
Classification: Uncertain significance for FANCA-related condition. Last evaluated: 2025-10-29. Review status: criteria provided, single submitter. Criteria: ACMG Guidelines, 2015. Collection method: clinical testing. Allele origin: germline.
Comment: The FANCA c.480G>A variant is predicted to result in the amino acid substitution p.Met160Ile. This variant was observed in an individual from a healthy cohort assessed for germline variation in cancer-susceptibility genes (Table S1, Bodian et al. 2014. PubMed ID: 24728327). This variant is reported in 0.056% of alleles in individuals of European (Non-Finnish) descent in gnomAD v4, including 1 homozygote. This variant has conflicting interpretations regarding its pathogenicity in ClinVar, ranging from benign (1) to uncertain (4). Although we suspect that this variant may be benign, at this time, the clinical significance of this variant is uncertain due to the absence of conclusive functional and genetic evidence.

Quest Diagnostics Nichols Institute San Juan Capistrano
Classification: Uncertain significance. Last evaluated: 2025-10-14. Review status: criteria provided, single submitter. Criteria: Quest Diagnostics criteria. Collection method: clinical testing. Allele origin: unknown.
Comment: The FANCA c.480G>A (p.Met160Ile) variant has not been reported in individuals affected with a FANCA-related disease in the published literature. However, this variant has been reported as a somatic variant in an individual with metastatic breast cancer (PMID: 33314633 (2021)) and identified in a reportedly unaffected individual (PMID: 24728327 (2014)). The frequency of this variant in the general population (Genome Aggregation Database) is uninformative in the assessment of its pathogenicity. Analysis of this variant using bioinformatics tools for the prediction of the effect of amino acid changes on protein structure and function yielded predictions that this variant is benign. Based on the available information, we are unable to determine the clinical significance of this variant.

St. Jude Molecular Pathology, St. Jude Children's Research Hospital
Classification: Uncertain significance for Fanconi anemia complementation group A. Last evaluated: 2024-03-29. Review status: criteria provided, single submitter. Criteria: St. Jude Assertion Criteria 2020. Collection method: clinical testing. Allele origin: germline.
Comment: The FANCA c.480G>A (p.Met160Ile) missense change has a maximum subpopulation frequency of 0.04% in gnomAD v2.1.1. The in silico tool REVEL predicts a benign effect on protein function, but to our knowledge this prediction has not been confirmed by functional studies. To our knowledge, this variant has not been reported in individuals with Fanconi anemia. In summary, the evidence currently available is insufficient to determine the clinical significance of this variant. It has therefore been classified as of uncertain significance.

Institute for Clinical Genetics, University Hospital TU Dresden, University Hospital TU Dresden
Classification: Uncertain significance. Last evaluated: 2021-11-03. Review status: criteria provided, single submitter. Criteria: ACMG Guidelines, 2015. Collection method: clinical testing. Allele origin: germline.

Genetic Services Laboratory, University of Chicago
Classification: Uncertain significance. Last evaluated: 2021-04-23. Review status: criteria provided, single submitter. Criteria: ACMG Guidelines, 2015. Collection method: clinical testing. Allele origin: germline. Affected: no.

Natera, Inc.
Classification: Uncertain significance for Fanconi anemia. Last evaluated: 2020-02-14. Review status: no assertion criteria provided. Collection method: clinical testing. Allele origin: germline. Not counted in ClinVar's aggregate classification.

ITMI
No classification provided. Condition: AllHighlyPenetrant. Last evaluated: 2013-09-19. Review status: no classification provided. Collection method: reference population. Allele origin: germline. Not counted in ClinVar's aggregate classification.
Comment: Please see associated publication for description of ethnicities

Literature cited by the submitters: PubMed 24728327 (cited by Quest Diagnostics Nichols Institute San Juan Capistrano and ITMI); PubMed 33314633 (cited by Quest Diagnostics Nichols Institute San Juan Capistrano).

NM_000135.4(FANCA):c.480G>A (p.Met160Ile)

Gene: FANCA (FA complementation group A; minus strand). Cytogenetic location: 16q24.3.
Variant type: single nucleotide variant.
Coding change: c.480G>A on transcript NM_000135.4 (MANE Select); coding-DNA position 480, G replaced by A.
Protein change: p.Met160Ile; replaces methionine 160 with isoleucine.
Molecular consequence: missense variant. On other transcripts: intron variant (1).
Genome position (GRCh38, 1-based): chr16:89,810,749, C>T on the plus strand (G>A on the coding strand, the complement: FANCA is on the minus strand). VCF-style: chr16-89810749-C-T. GRCh37 (hg19) VCF-style: chr16-89877157-C-T.
Other names: c.480G>A (LRG_495t1); c.480G>A, p.Met160Ile (NM_001018112.3, NM_001286167.3); c.426+180G>A (NM_001351830.2); short protein forms M160I.
Identifiers: ClinVar variation 134286 (VCV000134286.21), dbSNP rs200603300, ClinGen allele CA159359.